The following is an entry in ClinVar:

ClinVar aggregate classification (germline): Uncertain significance. Review status: criteria provided, multiple submitters, no conflicts (2 of 4 stars). 2 submissions from 2 submitters: Uncertain significance (2). Last evaluated 2024-09-25.

Allele frequency attached by ClinVar (database versions not stated): gnomAD 0.00001; gnomAD exomes 0.00001; ExAC 0.00002; TOPMed 0.00002.
gnomAD v4.1: 20 of 1,612,766 alleles (0.0012%); highest among the groups gnomAD compares: Admixed American, 0.0017%; no homozygotes.

Submissions (2):

Ambry Genetics
Classification: Uncertain significance. Last evaluated: 2024-09-25. Review status: criteria provided, single submitter. Criteria: Ambry Variant Classification Scheme 2023. Collection method: clinical testing. Allele origin: germline.

Labcorp Genetics (formerly Invitae), Labcorp
Classification: Uncertain significance. Last evaluated: 2022-07-12. Review status: criteria provided, single submitter. Criteria: Invitae Variant Classification Sherloc (09022015). Collection method: clinical testing. Allele origin: germline.
Comment: This sequence change replaces glutamine, which is neutral and polar, with histidine, which is basic and polar, at codon 495 of the MKL1 protein (p.Gln495His). This variant is present in population databases (rs748409067, gnomAD 0.002%). In summary, the available evidence is currently insufficient to determine the role of this variant in disease. Therefore, it has been classified as a Variant of Uncertain Significance. Algorithms developed to predict the effect of missense changes on protein structure and function are either unavailable or do not agree on the potential impact of this missense change (SIFT: "Tolerated"; PolyPhen-2: "Probably Damaging"; Align-GVGD: "Class C0"). ClinVar contains an entry for this variant (Variation ID: 1683041). This variant has not been reported in the literature in individuals affected with MKL1-related conditions.

NM_020831.6(MRTFA):c.1785G>C (p.Gln595His)

Gene: MRTFA (myocardin related transcription factor A; minus strand). Cytogenetic location: 22q13.1.
Variant type: single nucleotide variant.
Coding change: c.1785G>C on transcript NM_020831.6 (MANE Select); coding-DNA position 1785, G replaced by C.
Protein change: p.Gln595His; replaces glutamine 595 with histidine.
Molecular consequence: missense variant.
Genome position (GRCh38, 1-based): chr22:40,418,953, C>G on the plus strand (G>C on the coding strand, the complement: MRTFA is on the minus strand). VCF-style: chr22-40418953-C-G. GRCh37 (hg19) VCF-style: chr22-40814957-C-G.
Other names: c.1485G>C, p.Gln495His (NM_001282660.2); c.1635G>C, p.Gln545His (NM_001282661.3); c.1785G>C, p.Gln595His (NM_001282662.3); c.1590G>C, p.Gln530His (NM_001318139.2); c.1485G>C (NM_020831.3); short protein forms Q495H, Q530H, Q545H, Q595H.
Identifiers: ClinVar variation 1683041 (VCV001683041.9), dbSNP rs748409067, ClinGen allele CA10249555.